The following is an entry in ClinVar:

ClinVar aggregate classification (germline): Pathogenic (1 of 4 stars; one submission).

Conditions:
Usher syndrome type 1F (USH1F). Also called: USHER SYNDROME, TYPE IF. Identifiers: Orphanet 231169, Orphanet 886, MedGen C1865885, MONDO:0011186, OMIM 602083.

gnomAD v4.1: 1 of 1,613,572 alleles (0.000062%); highest among the groups gnomAD compares: Non-Finnish European, 0.000085%; no homozygotes.

Submission:

Myriad Genetics, Inc.
Classification: Pathogenic for Usher syndrome type 1F. Last evaluated: 2023-08-25. Review status: criteria provided, single submitter. Criteria: Myriad Autosomal Dominant, Autosomal Recessive and X-Linked Classification Criteria (2023). Collection method: clinical testing. Allele origin: unknown.
Comment: NM_033056.3(PCDH15):c.950C>G(S317*) is expected to be pathogenic in the context of PCDH15-related disorders. This variant is predicted to lead to an abnormal or absent protein product due to the creation of a premature termination codon in PCDH15, a gene where loss-of-function variants are known to be pathogenic. Please note: this variant was assessed in the context of healthy population screening.

NM_001384140.1(PCDH15):c.950C>G (p.Ser317Ter)

Gene: PCDH15 (protocadherin related 15; minus strand). Cytogenetic location: 10q21.1.
Variant type: single nucleotide variant.
Coding change: c.950C>G on transcript NM_001384140.1 (MANE Select); coding-DNA position 950, C replaced by G.
Protein change: p.Ser317Ter; replaces serine 317 with a stop codon.
Molecular consequence: nonsense.
Genome position (GRCh38, 1-based): chr10:54,236,858, G>C on the plus strand (C>G on the coding strand, the complement: PCDH15 is on the minus strand). VCF-style: chr10-54236858-G-C. GRCh37 (hg19) VCF-style: chr10-55996618-G-C.
Other names: c.965C>G, p.Ser322Ter (NM_001142763.2, NM_001142769.4, NM_001142771.2); c.950C>G, p.Ser317Ter (NM_001142764.2, NM_001142765.2, NM_001142766.2 and 7 more transcripts); c.839C>G, p.Ser280Ter (NM_001142767.2); c.884C>G, p.Ser295Ter (NM_001142768.2, NM_001142773.2, NM_001354404.2); short protein forms S280*, S295*, S317*, S322*.
Identifiers: ClinVar variation 5011475 (VCV005011475.1).